The following is an entry in ClinVar:

NM_001042492.3(NF1):c.2851-21_2851-17del

Gene: NF1 (neurofibromin 1; plus strand). Cytogenetic location: 17q11.2.
Variant type: Deletion.
Coding change: c.2851-21_2851-17del on transcript NM_001042492.3 (MANE Select); 21 bases into the intron before coding-DNA position 2851 through 17 bases into the intron before coding-DNA position 2851, 5 bases deleted (ATGTA; older notation c.2851-21_2851-17delATGTA).
Molecular consequence: intron variant.
Genome position (GRCh38, 1-based): chr17:31,229,814-31,229,818, ATGTA deleted; deleting any 5 consecutive bases within chr17:31,229,812-31,229,818 gives the same sequence; the c. name uses the placement nearest the transcript's 3' end. VCF-style (leftmost placement, unchanged base first): chr17-31229811-TTAATG-T. GRCh37 (hg19) VCF-style: chr17-29556829-TTAATG-T.
Other names: c.2851-21_2851-17delATGTA (NM_000267.3); c.2851-21_2851-17del5 (NM_001042492.2); c.2851-21_2851-17del (NM_000267.4).
Identifiers: ClinVar variation 508118 (VCV000508118.15), dbSNP rs758020046, ClinGen allele CA8486042.

ClinVar aggregate classification (germline): Benign/Likely benign. Review status: criteria provided, multiple submitters, no conflicts (2 of 4 stars). 7 submissions from 7 submitters: Benign (2); Likely benign (4). 1 of the submissions does not count toward it. Last evaluated 2026-02-03.

Conditions:
NF1-related disorder. Also called: NF1-related condition. Identifiers: MedGen CN379171.
Hereditary cancer-predisposing syndrome. Also called: Hereditary Cancer Syndrome; Tumor predisposition; Hereditary neoplastic syndrome; Neoplastic Syndromes, Hereditary. Identifiers: Orphanet 140162, MedGen C0027672, MeSH D009386, MONDO:0015356.
Cardiovascular phenotype. Identifiers: MedGen CN230736.
Neurofibromatosis, type 1 (NF1). Also called: VON RECKLINGHAUSEN DISEASE; NEUROFIBROMATOSIS, TYPE I, SOMATIC; Peripheral type neurofibromatosis; Neurofibromatosis, type I. Identifiers: Orphanet 636, MedGen C0027831, MONDO:0018975, OMIM 162200. Disease mechanism: loss of function.

Submissions (7):

Labcorp Genetics (formerly Invitae), Labcorp
Classification: Benign for Neurofibromatosis, type 1. Last evaluated: 2026-02-03. Review status: criteria provided, single submitter. Criteria: Invitae Variant Classification Sherloc (09022015). Collection method: clinical testing. Allele origin: germline.

Myriad Genetics, Inc.
Classification: Benign for Neurofibromatosis, type 1. Last evaluated: 2026-01-27. Review status: criteria provided, single submitter. Criteria: Myriad Autosomal Dominant, Autosomal Recessive and X-Linked Classification Criteria (2023). Collection method: clinical testing. Allele origin: unknown.
Comment: This variant is considered benign. This variant is intronic and is not expected to impact mRNA splicing. This variant has been observed at a population frequency that is significantly greater than expected given the associated disease prevalence and penetrance.

Blueprint Genetics
Classification: Likely benign. Last evaluated: 2024-06-10. Review status: criteria provided, single submitter. Criteria: ACMG Guidelines, 2015. Collection method: clinical testing. Allele origin: germline.

Genome-Nilou Lab
Classification: Likely benign for Neurofibromatosis, type 1. Last evaluated: 2022-03-15. Review status: criteria provided, single submitter. Criteria: ACMG Guidelines, 2015. Collection method: clinical testing. Allele origin: germline. Affected: no.

Ambry Genetics
Classification: Likely benign for Cardiovascular phenotype; Hereditary cancer-predisposing syndrome. Last evaluated: 2020-03-26. Review status: criteria provided, single submitter. Criteria: Ambry Variant Classification Scheme 2023. Collection method: clinical testing. Allele origin: germline.

GeneDx
Classification: Likely benign. Last evaluated: 2017-03-14. Review status: criteria provided, single submitter. Criteria: GeneDx Variant Classification (06012015). Collection method: clinical testing. Allele origin: germline. Affected: yes.
Comment: This variant is considered likely benign or benign based on one or more of the following criteria: it is a conservative change, it occurs at a poorly conserved position in the protein, it is predicted to be benign by multiple in silico algorithms, and/or has population frequency not consistent with disease.

PreventionGenetics, part of Exact Sciences
Classification: Likely benign for NF1-related condition. Last evaluated: 2022-01-21. Review status: no assertion criteria provided. Collection method: clinical testing. Allele origin: germline. Not counted in ClinVar's aggregate classification.
Comment: This variant is classified as likely benign based on ACMG/AMP sequence variant interpretation guidelines (Richards et al. 2015 PMID: 25741868, with internal and published modifications).